The following is an entry in ClinVar:

NM_000484.4(APP):c.1090+4C>T

Gene: APP (amyloid beta precursor protein; minus strand). Cytogenetic location: 21q21.3.
Variant type: single nucleotide variant.
Coding change: c.1090+4C>T on transcript NM_000484.4 (MANE Select); 4 bases into the intron after coding-DNA position 1090, C replaced by T.
Molecular consequence: intron variant.
Genome position (GRCh38, 1-based): chr21:25,997,356, G>A on the plus strand (C>T on the coding strand, the complement: APP is on the minus strand). VCF-style: chr21-25997356-G-A. GRCh37 (hg19) VCF-style: chr21-27369671-G-A.
Other names: c.761-14879C>T (NM_001136131.3); c.698-14879C>T (NM_001136129.3); c.922+4C>T (NM_001136130.3, NM_001385253.1); c.866-14879C>T (NM_001204303.2, NM_201414.3); c.1033+2659C>T (NM_001204302.2, NM_201413.3); c.1090+4C>T (NM_001204301.2); c.1018+2659C>T (NM_001136016.3).
Identifiers: ClinVar variation 640843 (VCV000640843.11), dbSNP rs532690231, ClinGen allele CA9987428.
Genomic context (GRCh38, chr21:25,997,356, plus strand): 5'-AGTTATGTGAACCAAGCAGCATCCTCCTCCCCTCTTCCCTTCCCTCAGGTGAATGACAAC[G>A]TACGTTTAACAGGATCTCGGGCAAGAGGTTCCTGGGTAGTCTTGAGTAAACTTTGGGACA-3'

ClinVar aggregate classification (germline): Uncertain significance. Review status: criteria provided, single submitter (1 of 4 stars). 2 submissions from 2 submitters: Uncertain significance (1). 1 of the submissions does not count toward it. Last evaluated 2024-09-02.

Conditions:
APP-related disorder. Also called: APP-related condition.
Alzheimer disease. Also called: Presenile and senile dementia; Alzheimer's disease. Identifiers: Orphanet 1020, MedGen C0002395, MeSH D000544, MONDO:0004975, HP:0002511.

Allele frequency attached by ClinVar (database versions not stated): gnomAD 0.00001; TOPMed 0.00001; ExAC 0.00002; gnomAD exomes 0.00002 and 0.00003; 1000 Genomes Project 30x 0.00016; 1000 Genomes Project 0.00020.
gnomAD v4.1: 32 of 1,613,392 alleles (0.002%); highest among the groups gnomAD compares: Admixed American, 0.01%; no homozygotes.

Submissions (2):

Labcorp Genetics (formerly Invitae), Labcorp
Classification: Uncertain significance for Alzheimer disease. Last evaluated: 2024-09-02. Review status: criteria provided, single submitter. Criteria: Invitae Variant Classification Sherloc (09022015). Collection method: clinical testing. Allele origin: germline.
Comment: This sequence change falls in intron 8 of the APP gene. It does not directly change the encoded amino acid sequence of the APP protein. It affects a nucleotide within the consensus splice site. This variant is present in population databases (rs532690231, gnomAD 0.01%). This variant has not been reported in the literature in individuals affected with APP-related conditions. ClinVar contains an entry for this variant (Variation ID: 640843). Variants that disrupt the consensus splice site are a relatively common cause of aberrant splicing (PMID: 17576681, 9536098). Algorithms developed to predict the effect of sequence changes on RNA splicing suggest that this variant is not likely to affect RNA splicing. In summary, the available evidence is currently insufficient to determine the role of this variant in disease. Therefore, it has been classified as a Variant of Uncertain Significance.

PreventionGenetics, part of Exact Sciences
Classification: Likely benign for APP-related condition. Last evaluated: 2019-06-25. Review status: no assertion criteria provided. Collection method: clinical testing. Allele origin: germline. Not counted in ClinVar's aggregate classification.
Comment: This variant is classified as likely benign based on ACMG/AMP sequence variant interpretation guidelines (Richards et al. 2015 PMID: 25741868, with internal and published modifications).

Literature cited by the submitters: PubMed 17576681 (cited by Labcorp Genetics (formerly Invitae), Labcorp); PubMed 9536098 (cited by Labcorp Genetics (formerly Invitae), Labcorp).